The following is an entry in ClinVar:

ClinVar aggregate classification (germline): Uncertain significance (1 of 4 stars; one submission).

Submission:

Labcorp Genetics (formerly Invitae), Labcorp
Classification: Uncertain significance. Last evaluated: 2024-08-28. Review status: criteria provided, single submitter. Criteria: Invitae Variant Classification Sherloc (09022015). Collection method: clinical testing. Allele origin: germline.
Comment: This sequence change replaces serine, which is neutral and polar, with alanine, which is neutral and non-polar, at codon 579 of the SLC12A6 protein (p.Ser579Ala). This variant is not present in population databases (gnomAD no frequency). This variant has not been reported in the literature in individuals affected with SLC12A6-related conditions. Invitae Evidence Modeling of protein sequence and biophysical properties (such as structural, functional, and spatial information, amino acid conservation, physicochemical variation, residue mobility, and thermodynamic stability) indicates that this missense variant is not expected to disrupt SLC12A6 protein function with a negative predictive value of 80%. In summary, the available evidence is currently insufficient to determine the role of this variant in disease. Therefore, it has been classified as a Variant of Uncertain Significance.

NM_001365088.1(SLC12A6):c.1735T>G (p.Ser579Ala)

Gene: SLC12A6 (solute carrier family 12 member 6; minus strand). Cytogenetic location: 15q14.
Variant type: single nucleotide variant.
Coding change: c.1735T>G on transcript NM_001365088.1 (MANE Select); coding-DNA position 1735, T replaced by G.
Protein change: p.Ser579Ala; replaces serine 579 with alanine.
Molecular consequence: missense variant.
Genome position (GRCh38, 1-based): chr15:34,245,782, A>C on the plus strand (T>G on the coding strand, the complement: SLC12A6 is on the minus strand). VCF-style: chr15-34245782-A-C. GRCh37 (hg19) VCF-style: chr15-34537983-A-C.
Other names: c.1735T>G, p.Ser579Ala (NM_133647.2); c.1582T>G, p.Ser528Ala (NM_005135.2); c.1558T>G, p.Ser520Ala (NM_001042494.2, NM_001042495.2); c.1708T>G, p.Ser570Ala (NM_001042496.2); c.1690T>G, p.Ser564Ala (NM_001042497.2); short protein forms S570A, S520A, S564A, S579A, S528A.
Identifiers: ClinVar variation 3699012 (VCV003699012.2).
Genomic context (GRCh38, chr15:34,245,782, plus strand): 5'-CAATAGCTTGTAGCAGCCTCGGTGCACCTGTGAGGCTCTGAAGTCCAGCCCCACATGTTG[A>C]AAAGAAGGAGCCAATAACAATCACCCATGGGGATGGCCAAGATAAGGTGCCTACCACCAA-3'
Protein context (NP_001352017.1, residues 569-589): PWVIVIGSFF[Ser579Ala]TCGAGLQSLT